The following is an entry in ClinVar:

NM_213655.5(WNK1):c.3216G>A (p.Gln1072=)

Gene: WNK1 (WNK lysine deficient protein kinase 1; plus strand). Cytogenetic location: 12p13.33.
Variant type: single nucleotide variant.
Coding change: c.3216G>A on transcript NM_213655.5 (MANE Plus Clinical); coding-DNA position 3216, G replaced by A.
Protein change: p.Gln1072=; no amino-acid change (glutamine 1072 retained).
Molecular consequence: synonymous variant. On other transcripts: intron variant (2).
Genome position (GRCh38, 1-based): chr12:868,687, G>A. VCF-style: chr12-868687-G-A. GRCh37 (hg19) VCF-style: chr12-977853-G-A.
Other names: p.Gln1072=; c.3216G>A (NM_213655.4); c.2961G>A, p.Gln987= (NM_001184985.2); c.2140-2578G>A (NM_018979.4, NM_014823.3).
Identifiers: ClinVar variation 2928505 (VCV002928505.4), dbSNP rs1440709074, ClinGen allele CA603036678.
Genomic context (GRCh38, chr12:868,687, plus strand): 5'-TGAATTTCATGTTCACACACCAAGCTCCTCTTCAGGAGAAGGAGGTGGAATTTTACCTCA[G>A]CGTGTTTACCGAAATCGGCAGGTTGCAGTGGACTTGAATCAAGAAGAACTGCCTCCTCAA-3'
Protein context (NP_998820.3, residues 1062-1082): SSGEGGGILP[Gln1072=]RVYRNRQVAV

ClinVar aggregate classification (germline): Likely benign. Review status: criteria provided, multiple submitters, no conflicts (2 of 4 stars). 2 submissions from 2 submitters: Likely benign (2). Last evaluated 2025-09-19.

Conditions:
Neuropathy, hereditary sensory and autonomic, type 2A (HSAN2A). Also called: HSAN IIA; WNK1-Related HSAN2 (HSAN2A); ACROOSTEOLYSIS, GIACCAI TYPE; ACROOSTEOLYSIS, NEUROGENIC; MORVAN DISEASE; NEUROPATHY, CONGENITAL SENSORY. Identifiers: Orphanet 970, MedGen C2752089, MONDO:0024309, OMIM 201300.
Pseudohypoaldosteronism type 2C (PHA2C). Also called: Pseudohypoaldosteronism Type IIC. Identifiers: Orphanet 757, Orphanet 88940, MedGen C1840391, MONDO:0013778, OMIM 614492.

Allele frequency attached by ClinVar (database versions not stated): gnomAD exomes 0.00001; TOPMed 0.00001; gnomAD 0.00001.
gnomAD v4.1: 23 of 1,613,760 alleles (0.0014%); highest among the groups gnomAD compares: Non-Finnish European, 0.0017%; no homozygotes.

Submissions (2):

Mayo Clinic Laboratories, Mayo Clinic
Classification: Likely benign. Last evaluated: 2025-09-19. Review status: criteria provided, single submitter. Criteria: ACMG Guidelines, 2015. Collection method: clinical testing. Allele origin: germline. Observed: 1 variant allele.
Comment: BP4, BP7

Labcorp Genetics (formerly Invitae), Labcorp
Classification: Likely benign for Neuropathy, hereditary sensory and autonomic, type 2A; Pseudohypoaldosteronism type 2C. Last evaluated: 2023-05-22. Review status: criteria provided, single submitter. Criteria: Invitae Variant Classification Sherloc (09022015). Collection method: clinical testing. Allele origin: germline.